The following is an entry in ClinVar:

NM_000553.6(WRN):c.500A>G (p.Lys167Arg)

Gene: WRN (WRN RecQ like helicase; plus strand). Cytogenetic location: 8p12.
Variant type: single nucleotide variant.
Coding change: c.500A>G on transcript NM_000553.6 (MANE Select); coding-DNA position 500, A replaced by G.
Protein change: p.Lys167Arg; replaces lysine 167 with arginine.
Molecular consequence: missense variant.
Genome position (GRCh38, 1-based): chr8:31,065,059, A>G. VCF-style: chr8-31065059-A-G. GRCh37 (hg19) VCF-style: chr8-30922575-A-G.
Other names: short protein forms K167R.
Identifiers: ClinVar variation 1352595 (VCV001352595.4), dbSNP rs1812642614, ClinGen allele CA370915094.

ClinVar aggregate classification (germline): Uncertain significance (1 of 4 stars; one submission).

Conditions:
Werner syndrome (WRN). Identifiers: Orphanet 902, MedGen C0043119, MONDO:0010196, OMIM 277700.

Allele frequency attached by ClinVar (database versions not stated): gnomAD 0.00001; TOPMed 0.00002.
gnomAD v4.1: 2 of 1,612,620 alleles (0.00012%); highest among the groups gnomAD compares: African/African-American, 0.0027%; no homozygotes.

Submission:

Labcorp Genetics (formerly Invitae), Labcorp
Classification: Uncertain significance for Werner syndrome. Last evaluated: 2021-11-04. Review status: criteria provided, single submitter. Criteria: Invitae Variant Classification Sherloc (09022015). Collection method: clinical testing. Allele origin: germline.
Comment: In summary, the available evidence is currently insufficient to determine the role of this variant in disease. Therefore, it has been classified as a Variant of Uncertain Significance. Algorithms developed to predict the effect of sequence changes on RNA splicing suggest that this variant may create or strengthen a splice site. Algorithms developed to predict the effect of missense changes on protein structure and function are either unavailable or do not agree on the potential impact of this missense change (SIFT: "Not Available"; PolyPhen-2: "Benign"; Align-GVGD: "Not Available"). This variant has not been reported in the literature in individuals affected with WRN-related conditions. This variant is not present in population databases (gnomAD no frequency). This sequence change replaces lysine, which is basic and polar, with arginine, which is basic and polar, at codon 167 of the WRN protein (p.Lys167Arg).